The following is an entry in ClinVar:

NM_198904.4(GABRG2):c.1153-11C>A

Gene: GABRG2 (gamma-aminobutyric acid type A receptor subunit gamma2; plus strand). Cytogenetic location: 5q34.
Variant type: single nucleotide variant.
Coding change: c.1153-11C>A on transcript NM_198904.4 (MANE Select); 11 bases into the intron before coding-DNA position 1153, C replaced by A.
Molecular consequence: intron variant.
Genome position (GRCh38, 1-based): chr5:162,153,082, C>A. VCF-style: chr5-162153082-C-A. GRCh37 (hg19) VCF-style: chr5-161580088-C-A.
Other names: c.1066-11C>A (NM_001375347.1); c.1273-11C>A (NM_198903.2); c.1129-11C>A (NM_000816.3); c.844-11C>A (NM_001375349.1); c.1249-11C>A (NM_001375343.1); c.1192-11C>A (NM_001375344.1); c.947-11C>A (NM_001375340.1); c.1150-11C>A (NM_001375341.1); and 6 more.
Identifiers: ClinVar variation 2935806 (VCV002935806.3), dbSNP rs2532774383, ClinGen allele CA2676331008.

ClinVar aggregate classification (germline): Uncertain significance (1 of 4 stars; one submission).

Conditions:
EPILEPSY, CHILDHOOD ABSENCE, SUSCEPTIBILITY TO, 2 (ECA2). Identifiers: Orphanet 64280, MedGen C1843244, OMIM 607681.
Febrile seizures, familial, 8 (FEB8). Also called: CONVULSIONS, FAMILIAL FEBRILE, 8. Identifiers: Orphanet 36387, MedGen C1969810, MONDO:0011891, OMIM 607681.

gnomAD v4.1: 2 of 1,613,906 alleles (0.00012%); highest among the groups gnomAD compares: Non-Finnish European, 0.00017%; no homozygotes.

Submission:

Labcorp Genetics (formerly Invitae), Labcorp
Classification: Uncertain significance for Febrile seizures, familial, 8; EPILEPSY, CHILDHOOD ABSENCE, SUSCEPTIBILITY TO, 2. Last evaluated: 2023-02-14. Review status: criteria provided, single submitter. Criteria: Invitae Variant Classification Sherloc (09022015). Collection method: clinical testing. Allele origin: germline.
Comment: This variant has not been reported in the literature in individuals affected with GABRG2-related conditions. Algorithms developed to predict the effect of sequence changes on RNA splicing suggest that this variant may create or strengthen a splice site. In summary, the available evidence is currently insufficient to determine the role of this variant in disease. Therefore, it has been classified as a Variant of Uncertain Significance. This variant is not present in population databases (gnomAD no frequency). This sequence change falls in intron 8 of the GABRG2 gene. It does not directly change the encoded amino acid sequence of the GABRG2 protein.